The following is an entry in ClinVar:

ClinVar aggregate classification (germline): Uncertain significance (1 of 4 stars; one submission).

Allele frequency attached by ClinVar (database versions not stated): TOPMed 0.00002; ExAC 0.00003; gnomAD exomes 0.00003; gnomAD 0.00004.
gnomAD v4.1: 57 of 1,613,040 alleles (0.0035%); highest among the groups gnomAD compares: Non-Finnish European, 0.0047%; no homozygotes.

Submission:

Labcorp Genetics (formerly Invitae), Labcorp
Classification: Uncertain significance. Last evaluated: 2022-08-22. Review status: criteria provided, single submitter. Criteria: Invitae Variant Classification Sherloc (09022015). Collection method: clinical testing. Allele origin: germline.
Comment: This sequence change falls in intron 10 of the DGAT1 gene. It does not directly change the encoded amino acid sequence of the DGAT1 protein. It affects a nucleotide within the consensus splice site. This variant is present in population databases (rs782528548, gnomAD 0.007%). This variant has not been reported in the literature in individuals affected with DGAT1-related conditions. Variants that disrupt the consensus splice site are a relatively common cause of aberrant splicing (PMID: 17576681, 9536098). Algorithms developed to predict the effect of sequence changes on RNA splicing suggest that this variant is not likely to affect RNA splicing. In summary, the available evidence is currently insufficient to determine the role of this variant in disease. Therefore, it has been classified as a Variant of Uncertain Significance.

Literature cited by the submitters: PubMed 17576681; PubMed 9536098.

NM_012079.6(DGAT1):c.894+4A>C

Gene: DGAT1 (diacylglycerol O-acyltransferase 1; minus strand). Cytogenetic location: 8q24.3.
Variant type: single nucleotide variant.
Coding change: c.894+4A>C on transcript NM_012079.6 (MANE Select); 4 bases into the intron after coding-DNA position 894, A replaced by C.
Molecular consequence: intron variant.
Genome position (GRCh38, 1-based): chr8:144,317,780, T>G on the plus strand (A>C on the coding strand, the complement: DGAT1 is on the minus strand). VCF-style: chr8-144317780-T-G. GRCh37 (hg19) VCF-style: chr8-145541443-T-G.
Identifiers: ClinVar variation 2173545 (VCV002173545.1), dbSNP rs782528548, ClinGen allele CA4936787.